The following is an entry in ClinVar:

ClinVar aggregate classification (germline): Likely benign. Review status: criteria provided, multiple submitters, no conflicts (2 of 4 stars). 2 submissions from 2 submitters: Likely benign (2). Last evaluated 2022-04-25.

Conditions:
Monogenic diabetes. Identifiers: Orphanet 183625, MedGen C3888631, MONDO:0015967.

Allele frequency attached by ClinVar (database versions not stated): gnomAD exomes 0.00046 and 0.00093; ExAC 0.00075; ESP Exome Variant Server 0.00108; gnomAD 0.00170 and 0.00173; TOPMed 0.00236; 1000 Genomes Project 0.00260; 1000 Genomes Project 30x 0.00265.
gnomAD v4.1: 999 of 1,613,408 alleles (0.062%); highest among the groups gnomAD compares: Admixed American, 0.34%; 1 homozygote.

Submissions (2):

Biomedical Genomics and Oncogenetics Laboratory, Institut Pasteur de Tunis, University Tunis El Manar
Classification: Likely benign for Monogenic diabetes. Last evaluated: 2022-04-25. Review status: criteria provided, single submitter. Criteria: ACMG Guidelines, 2015. Collection method: research. Allele origin: germline. Affected: yes. Observed: 4 variant alleles.

Personalized Diabetes Medicine Program, University of Maryland School of Medicine
Classification: Likely benign for Monogenic diabetes. Last evaluated: 2017-10-31. Review status: criteria provided, single submitter. Criteria: ACMG Guidelines, 2015. Collection method: research. Allele origin: unknown. Observed: 2 variant alleles, 2 heterozygotes.
Comment: ACMG criteria: PP3 (7 predictors), BP4 (3 predictors), BS2 (23 cases and 22 controls in an online resource)=likely benign

NM_002711.4(PPP1R3A):c.2267C>T (p.Pro756Leu)

Gene: PPP1R3A (protein phosphatase 1 regulatory subunit 3A; minus strand). Cytogenetic location: 7q31.1.
Variant type: single nucleotide variant.
Coding change: c.2267C>T on transcript NM_002711.4 (MANE Select); coding-DNA position 2267, C replaced by T.
Protein change: p.Pro756Leu; replaces proline 756 with leucine.
Molecular consequence: missense variant.
Genome position (GRCh38, 1-based): chr7:113,878,825, G>A on the plus strand (C>T on the coding strand, the complement: PPP1R3A is on the minus strand). VCF-style: chr7-113878825-G-A. GRCh37 (hg19) VCF-style: chr7-113518880-G-A.
Other names: short protein forms P756L.
Identifiers: ClinVar variation 393402 (VCV000393402.6), dbSNP rs151310594, ClinGen allele CA4445103.